The following is an entry in ClinVar:

ClinVar aggregate classification (germline): Benign. Review status: criteria provided, multiple submitters, no conflicts (2 of 4 stars). 2 submissions from 2 submitters: Benign (2). Last evaluated 2018-01-13.

Conditions:
Bardet-Biedl syndrome 12 (BBS12). Identifiers: Orphanet 110, MedGen C1859570, MONDO:0014440, OMIM 615989.

Allele frequency attached by ClinVar (database versions not stated): gnomAD exomes 0.28468; gnomAD 0.45540 and 0.45671; TOPMed 0.48312; 1000 Genomes Project 0.54413; 1000 Genomes Project 30x 0.55028.
gnomAD v4.1: 73,584 of 166,946 alleles (44%); highest among the groups gnomAD compares: African/African-American, 67%; 18,207 homozygotes.

Submissions (2):

Illumina Laboratory Services, Illumina
Classification: Benign for Bardet-Biedl syndrome 12. Last evaluated: 2018-01-13. Review status: criteria provided, single submitter. Criteria: ICSL Variant Classification Criteria 13 December 2019. Collection method: clinical testing. Allele origin: germline.
Comment: This variant was observed in the ICSL laboratory as part of a predisposition screen in an ostensibly healthy population. It had not been previously curated by ICSL or reported in the Human Gene Mutation Database (HGMD: prior to June 1st, 2018), and was therefore a candidate for classification through an automated scoring system. Utilizing variant allele frequency, disease prevalence and penetrance estimates, and inheritance mode, an automated score was calculated to assess if this variant is too frequent to cause the disease. Based on the score and internal cut-off values, a variant classified as benign is not then subjected to further curation. The score for this variant resulted in a classification of benign for this disease.

Breakthrough Genomics
Classification: Benign. Review status: criteria provided, single submitter. Criteria: ACMG Guidelines, 2015. Collection method: not provided. Allele origin: germline. Inheritance: Autosomal recessive inheritance. Affected: yes.

NM_152618.3(BBS12):c.*811C>G

Gene: BBS12 (Bardet-Biedl syndrome 12; plus strand). Cytogenetic location: 4q27.
Variant type: single nucleotide variant.
Coding change: c.*811C>G on transcript NM_152618.3 (MANE Select); 811 bases downstream of the stop codon, C replaced by G.
Molecular consequence: 3 prime UTR variant.
Genome position (GRCh38, 1-based): chr4:122,744,836, C>G. VCF-style: chr4-122744836-C-G. GRCh37 (hg19) VCF-style: chr4-123665991-C-G.
Other names: c.*811C>G (NM_001178007.2).
Identifiers: ClinVar variation 347513 (VCV000347513.6), dbSNP rs309386, ClinGen allele CA10617900.